The following is an entry in ClinVar:

ClinVar aggregate classification (germline): Pathogenic. Review status: criteria provided, multiple submitters, no conflicts (2 of 4 stars). 10 submissions from 9 submitters: Pathogenic (6). 4 of the submissions do not count toward it. Last evaluated 2025-11-26.

Conditions:
Familial thoracic aortic aneurysm and aortic dissection (TAAD). Also called: Thoracic aortic aneurysms and dissections. Identifiers: Orphanet 91387, MedGen C4707243, MONDO:0019625.
Marfan syndrome (MFS). Also called: FBN1-Related Marfan Syndrome; Marfan syndrome type 1; Marfan's syndrome; Marfan syndrome, classic; MARFAN SYNDROME, TYPE I. Identifiers: Orphanet 284963, Orphanet 558, MedGen C0024796, MONDO:0007947, OMIM 154700.
Loeys-Dietz syndrome (LDS). Identifiers: Orphanet 60030, MedGen C2697932, MONDO:0018954.
Neonatal Marfan syndrome. Identifiers: Orphanet 284979, MedGen C4016054, MONDO:0017309.
FBN1-related disorder. Also called: FBN1-related disorders.

Submissions (10):

3billion
Classification: Pathogenic for Marfan syndrome. Last evaluated: 2025-11-26. Review status: criteria provided, single submitter. Criteria: ACMG Guidelines, 2015. Collection method: clinical testing. Allele origin: germline. Affected: yes.
Comment: The variant is not observed in the gnomAD v4.1.0 dataset. Predicted Consequence/Location: Missense variant Functional studies provide moderate evidence of the variant having a damaging effect on the gene or gene product (PMID: 21784848). In silico tool predictions suggest damaging effect of the variant on gene or gene product [REVEL: 0.91 (>=0.6, sensitivity 0.68 and specificity 0.92); 3Cnet: 0.89 (> 0.75, sensitivity 0.96 and precision 0.92)]. The same nucleotide change resulting in the same amino acid change has been previously reported as pathogenic/likely pathogenic with strong evidence (ClinVar ID: VCV000016457 /PMID: 7611299). Different missense changes at the same codon (p.Glu1073Asp, p.Glu1073Gly) have been reported to be associated with FBN1-related disorder (ClinVar ID: VCV002946781 /PMID: 37283908, 8880577). Therefore, this variant is classified as Pathogenic according to the recommendation of ACMG/AMP guideline.

Blueprint Genetics
Classification: Pathogenic for FBN1-related disorders. Last evaluated: 2024-07-22. Review status: criteria provided, single submitter. Criteria: ACMG Guidelines, 2015. Collection method: clinical testing. Allele origin: germline. Affected: yes. Observed: 2 variant alleles.

Labcorp Genetics (formerly Invitae), Labcorp
Classification: Pathogenic for Marfan syndrome; Familial thoracic aortic aneurysm and aortic dissection. Last evaluated: 2022-05-25. Review status: criteria provided, single submitter. Criteria: Invitae Variant Classification Sherloc (09022015). Collection method: clinical testing. Allele origin: germline.
Comment: Advanced modeling of protein sequence and biophysical properties (such as structural, functional, and spatial information, amino acid conservation, physicochemical variation, residue mobility, and thermodynamic stability) performed at Invitae indicates that this missense variant is expected to disrupt FBN1 protein function. ClinVar contains an entry for this variant (Variation ID: 16457). This missense change has been observed in individuals with Marfan syndrome (PMID: 7611299, 8880577, 8882780, 11175294, 16596670). This variant is not present in population databases (gnomAD no frequency). This sequence change replaces glutamic acid, which is acidic and polar, with lysine, which is basic and polar, at codon 1073 of the FBN1 protein (p.Glu1073Lys). Experimental studies have shown that this missense change affects FBN1 function (PMID: 10766875, 17324963, 21784848). For these reasons, this variant has been classified as Pathogenic.

GeneDx
Classification: Pathogenic. Last evaluated: 2020-04-10. Review status: criteria provided, single submitter. Criteria: GeneDx Variant Classification Process June 2021. Collection method: clinical testing. Allele origin: germline. Affected: yes.
Comment: Not observed in large population cohorts (Lek et al., 2016); Published functional studies demonstrate increased susceptibility to proteolytic decay as compared to wild type (Reinhardt et al., 2000); In silico analysis supports that this missense variant has a deleterious effect on protein structure/function; A different missense change at this residue (E1073D) has been reported in the published literature in association with neonatal Marfan syndrome (Wang et al., 1996); Reported as pathogenic in ClinVar (ClinVar Variant ID#16457; Landrum et al., 2016); This variant is associated with the following publications: (PMID: 21784848, 10766875, 17324963, 7611299, 27914124, 8882780, 16596670, 28497657)

ARUP Laboratories, Molecular Genetics and Genomics, ARUP Laboratories
Classification: Pathogenic. Last evaluated: 2017-05-02. Review status: criteria provided, single submitter. Criteria: ARUP Molecular Germline Variant Investigation Process. Collection method: clinical testing. Allele origin: germline.
Comment: The p.Glu1073Lys is a known pathogenic variant that has been reported mostly in patients with neonatal Marfan syndrome, but also in patients 10 months â€“ 2 years old (Nijbroek 1995, Putnam 1996, Tiecke 2001, Loeys 2004, Ades 2006, Faivre 2009, Stheneur 2009). This variant meets Ghent criteria for causal FBN1 variants, as it disrupts glutamic acid in a calcium-binding Epidermal Growth Factor-like (cbEGF) domain (Loeys 2010). In vitro functional assays with p.Glu1073Lys variant showed normal secretion (Reinhard 2000, Whiteman 2007,) but increased proteolytic cleavage suggesting structural effects of the variant and reduced ability to interact with heparin (Reinhard 2000, Kirschner 2011), The secreted fibrillin was not incorporated into the pericellular matrix (Putnam 1996).

Ambry Genetics
Classification: Pathogenic for Familial thoracic aortic aneurysm and aortic dissection. Last evaluated: 2017-01-11. Review status: criteria provided, single submitter. Criteria: Ambry Variant Classification Scheme 2023. Collection method: clinical testing. Allele origin: germline.
Comment: The p.E1073K pathogenic mutation (also known as c.3217G>A), located in coding exon 26 of the FBN1 gene, results from a G to A substitution at nucleotide position 3217. The glutamic acid at codon 1073 is replaced by lysine, an amino acid with similar properties, and is located in the cb EGF-like #12 domain. This alteration has been reported in multiple neonatal Marfan syndrome (MFS) cases, several times with a likely de novo origin (Nijbroek G et al. Am. J. Hum. Genet. 1995;57:8-21; Putnam EA et al. Am. J. Med. Genet. 1996;62:233-42; Ad&egrave;s LC et al. Am. J. Med. Genet. A. 2006;140:1047-58; Pees C et al. Clin. Genet. 2014;86:552-7; Maeda J et al. Heart Vessels. 2016;31:1717-23; Heo JS et al. J. Korean Med. Sci. 2017;32:1-3). In addition, functional studies have suggested that protein with this alteration is more susceptible to proteolytic degradation compared to wildtype and is not effectively incorporated into the extracellular matrix (Milewicz DM et al. J. Clin. Invest. 1992;89:79-86; Reinhardt DP et al. J. Biol. Chem. 2000;275:12339-45; Kirschner R et al. J. Biol. Chem. 2011;286:32810-23). Based on the supporting evidence, this alteration is interpreted as a disease-causing mutation.

Center for Medical Genetics Ghent, University of Ghent
Classification: Likely pathogenic for Marfan syndrome. Last evaluated: 2017-11-07. Review status: no assertion criteria provided. Collection method: clinical testing. Allele origin: de novo. Affected: yes. Not counted in ClinVar's aggregate classification.

Clinical Molecular Genetics Laboratory, Johns Hopkins All Children's Hospital
Classification: Pathogenic for Marfan syndrome. Last evaluated: 2016-05-17. Review status: no assertion criteria provided. Collection method: clinical testing. Allele origin: germline. Affected: yes. Not counted in ClinVar's aggregate classification.

Clinical Molecular Genetics Laboratory, Johns Hopkins All Children's Hospital
Classification: Pathogenic for Loeys-Dietz syndrome. Last evaluated: 2016-05-17. Review status: no assertion criteria provided. Collection method: clinical testing. Allele origin: germline. Affected: yes. Not counted in ClinVar's aggregate classification.

OMIM
Classification: Pathogenic for MARFAN SYNDROME, NEONATAL. Last evaluated: 2006-05-15. Review status: no assertion criteria provided. Collection method: literature only. Allele origin: germline. Not counted in ClinVar's aggregate classification.

Literature cited by the submitters: PubMed 7611299 (cited by 3 submitters); PubMed 21784848 (cited by 3 submitters); PubMed 37283908 (cited by 3billion); PubMed 8880577 (cited by Labcorp Genetics (formerly Invitae), Labcorp and Ambry Genetics); PubMed 8882780 (cited by Labcorp Genetics (formerly Invitae), Labcorp and Ambry Genetics); PubMed 11175294 (cited by Labcorp Genetics (formerly Invitae), Labcorp); PubMed 16596670 (cited by 3 submitters); PubMed 10766875 (cited by 3 submitters); PubMed 17324963 (cited by Labcorp Genetics (formerly Invitae), Labcorp); PubMed 1729284 (cited by Ambry Genetics); PubMed 24199744 (cited by Ambry Genetics); PubMed 26796135 (cited by Ambry Genetics); PubMed 27914124 (cited by Ambry Genetics).

NM_000138.5(FBN1):c.3217G>A (p.Glu1073Lys)

Gene: FBN1 (fibrillin 1; minus strand). Cytogenetic location: 15q21.1.
Variant type: single nucleotide variant.
Coding change: c.3217G>A on transcript NM_000138.5 (MANE Select); coding-DNA position 3217, G replaced by A.
Protein change: p.Glu1073Lys; replaces glutamic acid 1073 with lysine.
Molecular consequence: missense variant.
Genome position (GRCh38, 1-based): chr15:48,488,233, C>T on the plus strand (G>A on the coding strand, the complement: FBN1 is on the minus strand). VCF-style: chr15-48488233-C-T. GRCh37 (hg19) VCF-style: chr15-48780430-C-T.
Other names: p.E1073K:GAA>AAA; short protein forms E1073K.
Identifiers: ClinVar variation 16457 (VCV000016457.26), dbSNP rs137854478, ClinGen allele CA013900.